The following is an entry in ClinVar:

NM_000204.5(CFI):c.1608T>A (p.Asn536Lys)

Gene: CFI (complement factor I; minus strand). Cytogenetic location: 4q25.
Variant type: single nucleotide variant.
Coding change: c.1608T>A on transcript NM_000204.5 (MANE Select); coding-DNA position 1608, T replaced by A.
Protein change: p.Asn536Lys; replaces asparagine 536 with lysine.
Molecular consequence: missense variant. On other transcripts: 3 prime UTR variant (2), non-coding transcript variant (3), intron variant (7).
Genome position (GRCh38, 1-based): chr4:109,741,037, A>T on the plus strand (T>A on the coding strand, the complement: CFI is on the minus strand). VCF-style: chr4-109741037-A-T. GRCh37 (hg19) VCF-style: chr4-110662193-A-T.
Other names: c.1632T>A, p.Asn544Lys (NM_001318057.2); c.1587T>A, p.Asn529Lys (NM_001331035.2); c.1551T>A, p.Asn517Lys (NM_001375283.1); c.999T>A, p.Asn333Lys (NM_001375284.1); c.1629T>A, p.Asn543Lys (NM_001440986.1); c.*308T>A (NM_001440989.1, NM_001440991.1); c.1513+1454T>A (NM_001375282.1, NM_001375280.1); c.1534+1454T>A (NM_001375281.1, NM_001375279.1); and 2 more; short protein forms N333K, N517K, N529K, N536K, N543K, N544K.
Identifiers: ClinVar variation 4280520 (VCV004280520.1).

ClinVar aggregate classification (germline): Uncertain significance (1 of 4 stars; one submission).

Conditions:
CFI-related disorder. Also called: CFI-related condition; CFI-related disorders. Identifiers: MedGen CN239325.

gnomAD v4.1: 1 of 1,614,230 alleles (0.000062%); highest among the groups gnomAD compares: South Asian, 0.0011%; no homozygotes.

Submission:

Genomenon, Inc
Classification: Uncertain significance for CFI-related disorder. Last evaluated: 2025-09-26. Review status: criteria provided, single submitter. Criteria: Genomenon Sequence Variant Interpretation Standards - Updated. Collection method: curation. Allele origin: germline. Affected: no.
Comment: CFI p.Asn536Lys (c.1608T>A) is a missense variant that changes the amino acid at residue 536 from Asparagine to Lysine. To our knowledge, this variant has not been reported in patients affected with CFI-related disorders in the published literature. Functional studies have been reported; however, the significance of the findings remain unclear (PMID:35531992;32510551;32908800). It is absent or not present at a significant frequency in gnomAD. In conclusion, we classify CFI p.Asn536Lys (c.1608T>A) as a variant of unknown significance.

Literature cited by the submitters: PubMed 35531992; 32510551; 32908800.